The following is an entry in ClinVar:

ClinVar aggregate classification (germline): Uncertain significance (1 of 4 stars; one submission).

Conditions:
Hypertrophic cardiomyopathy. Also called: HYPERTROPHIC MYOCARDIOPATHY. Identifiers: Orphanet 217569, MedGen C0007194, MeSH D002312, MONDO:0005045, HP:0001639.

Allele frequency attached by ClinVar (database versions not stated): gnomAD exomes below 0.00001.

Submission:

All of Us Research Program, National Institutes of Health
Classification: Uncertain significance for Hypertrophic cardiomyopathy. Last evaluated: 2023-03-09. Review status: criteria provided, single submitter. Criteria: ACMG Guidelines, 2015. Collection method: clinical testing. Allele origin: germline. Inheritance: Autosomal dominant inheritance. Observed: 1 variant allele, 1 heterozygote.
Comment: This missense variant replaces aspartic acid with asparagine at codon 570 of the MYBPC3 protein. Computational prediction suggests that this variant may not impact protein structure and function (internally defined REVEL score threshold <= 0.5, PMID: 27666373). To our knowledge, functional studies have not been reported for this variant. This variant has not been reported in individuals affected with MYBPC3-related disorders in the literature. This variant has not been identified in the general population by the Genome Aggregation Database (gnomAD). The available evidence is insufficient to determine the role of this variant in disease conclusively. Therefore, this variant is classified as a Variant of Uncertain Significance.

This study involves interpretation of variants in research participants for the purpose of population health screening. Participant phenotype was not available at the time of variant classification. Additional details can be found in publication PMID: 35346344, PMCID: PMC8962531

NM_000256.3(MYBPC3):c.1708G>A (p.Asp570Asn)

Gene: MYBPC3 (myosin binding protein C3; minus strand). Cytogenetic location: 11p11.2.
Variant type: single nucleotide variant.
Coding change: c.1708G>A on transcript NM_000256.3 (MANE Select); coding-DNA position 1708, G replaced by A.
Protein change: p.Asp570Asn; replaces aspartic acid 570 with asparagine.
Molecular consequence: missense variant.
Genome position (GRCh38, 1-based): chr11:47,342,073, C>T on the plus strand (G>A on the coding strand, the complement: MYBPC3 is on the minus strand). VCF-style: chr11-47342073-C-T. GRCh37 (hg19) VCF-style: chr11-47363624-C-T.
Other names: short protein forms D570N.
Identifiers: ClinVar variation 3069854 (VCV003069854.1), dbSNP rs2495761310, ClinGen allele CA380324327.
Genomic context (GRCh38, chr11:47,342,073, plus strand): 5'-TGCGGCTGTCGGGCACCAGCTCCTTCCCATTCTTCAGCCACACACCCCGAACATTCTCAT[C>T]TGAGACCTCACATTTGAACACCGCCTGGTCCTTTGCGCCCACCATCAGGTCTGCGATGCT-3'
Protein context (NP_000247.2, residues 560-580): DQAVFKCEVS[Asp570Asn]ENVRGVWLKN